The following is an entry in ClinVar:

ClinVar aggregate classification (germline): Uncertain significance (1 of 4 stars; one submission).

Conditions:
Xanthinuria type II. Also called: Xanthine dehydrogenase and aldehyde oxidase combined deficiency of; XDH and AOX dual deficiency. Identifiers: Orphanet 3467, Orphanet 93602, MedGen C1863688, MONDO:0011346, OMIM 603592.

Allele frequency attached by ClinVar (database versions not stated): gnomAD 0.00001; gnomAD exomes 0.00001; TOPMed 0.00001; ExAC 0.00002.
gnomAD v4.1: 16 of 1,614,002 alleles (0.00099%); highest among the groups gnomAD compares: Non-Finnish European, 0.0014%; no homozygotes.

Submission:

Labcorp Genetics (formerly Invitae), Labcorp
Classification: Uncertain significance for Xanthinuria type II. Last evaluated: 2024-10-22. Review status: criteria provided, single submitter. Criteria: Invitae Variant Classification Sherloc (09022015). Collection method: clinical testing. Allele origin: germline.
Comment: This sequence change replaces glycine, which is neutral and non-polar, with glutamic acid, which is acidic and polar, at codon 855 of the XDH protein (p.Gly855Glu). This variant is present in population databases (rs779917234, gnomAD 0.003%). This variant has not been reported in the literature in individuals affected with XDH-related conditions. ClinVar contains an entry for this variant (Variation ID: 2157774). An algorithm developed to predict the effect of missense changes on protein structure and function (PolyPhen-2) suggests that this variant is likely to be disruptive. In summary, the available evidence is currently insufficient to determine the role of this variant in disease. Therefore, it has been classified as a Variant of Uncertain Significance.

NM_000379.4(XDH):c.2564G>A (p.Gly855Glu)

Gene: XDH (xanthine dehydrogenase; minus strand). Cytogenetic location: 2p23.1.
Variant type: single nucleotide variant.
Coding change: c.2564G>A on transcript NM_000379.4 (MANE Select); coding-DNA position 2564, G replaced by A.
Protein change: p.Gly855Glu; replaces glycine 855 with glutamic acid.
Molecular consequence: missense variant.
Genome position (GRCh38, 1-based): chr2:31,364,225, C>T on the plus strand (G>A on the coding strand, the complement: XDH is on the minus strand). VCF-style: chr2-31364225-C-T. GRCh37 (hg19) VCF-style: chr2-31587091-C-T.
Other names: short protein forms G855E.
Identifiers: ClinVar variation 2157774 (VCV002157774.4), dbSNP rs779917234, ClinGen allele CA1598754.